The following is an entry in ClinVar:

NM_015859.4(GTF2A1):c.1030A>G (p.Arg344Gly)

Gene: GTF2A1 (general transcription factor IIA subunit 1; minus strand). Cytogenetic location: 14q31.1.
Variant type: single nucleotide variant.
Coding change: c.1030A>G on transcript NM_015859.4 (MANE Select); coding-DNA position 1030, A replaced by G.
Protein change: p.Arg344Gly; replaces arginine 344 with glycine.
Molecular consequence: missense variant.
Genome position (GRCh38, 1-based): chr14:81,180,324, T>C on the plus strand (A>G on the coding strand, the complement: GTF2A1 is on the minus strand). VCF-style: chr14-81180324-T-C. GRCh37 (hg19) VCF-style: chr14-81646668-T-C.
Other names: NM_201595.3:c.913A>G; c.880A>G, p.Arg294Gly (NM_001278940.2); c.913A>G, p.Arg305Gly (NM_201595.3); short protein forms R294G, R305G, R344G.
Identifiers: ClinVar variation 3383292 (VCV003383292.1).

ClinVar aggregate classification (germline): Uncertain significance (1 of 4 stars; one submission).

Conditions:
Dandy-Walker syndrome (DWS). Identifiers: Orphanet 217, MedGen C0010964, MeSH D003616, MONDO:0009072, OMIM 220200.

Submission:

Broad Center for Mendelian Genomics, Broad Institute of MIT and Harvard
Classification: Uncertain significance for Dandy-Walker syndrome. Last evaluated: 2024-11-25. Review status: criteria provided, single submitter. Criteria: ACMG Guidelines, 2015. Collection method: curation. Allele origin: germline. Inheritance: Autosomal dominant inheritance. Study: GREGoR Consortium.
Comment: While this gene is still lacking sufficient evidence to establish a gene-disease relationship, we believe this is a possible novel gene candidate for Dandy-Walker syndrome. Given the limited information about this gene-disease relationship, the significance of the p.Arg344Gly variant is uncertain. If you have any additional information about functional evidence or other individuals with this phenotype that also have variants in GTF2A1 we encourage you to reach out to us.